The following is an entry in ClinVar:

ClinVar aggregate classification (germline): Uncertain significance. Review status: criteria provided, multiple submitters, no conflicts (2 of 4 stars). 5 submissions from 5 submitters: Uncertain significance (4). 1 of the submissions does not count toward it. Last evaluated 2026-05-13.

Conditions:
SCN10A-related disorder. Also called: SCN10A-related condition.
Brugada syndrome. Also called: Sudden unexpected nocturnal death syndrome; Sudden unexplained nocturnal death syndrome; Sudden Unexplained Death Syndrome; Sudden Unexplained Nocturnal Death Syndrome (SUNDS). Identifiers: Orphanet 130, MedGen C1142166, MONDO:0015263.
Cardiovascular phenotype. Identifiers: MedGen CN230736.

Allele frequency attached by ClinVar (database versions not stated): TOPMed 0.00004; ExAC 0.00004; gnomAD 0.00004; ESP Exome Variant Server 0.00008.
gnomAD v4.1: 126 of 1,611,822 alleles (0.0078%); highest among the groups gnomAD compares: Middle Eastern, 0.033%; no homozygotes.

Submissions (5):

GeneDx
Classification: Uncertain significance. Last evaluated: 2026-05-13. Review status: criteria provided, single submitter. Criteria: GeneDx Variant Classification Process June 2021. Collection method: clinical testing. Allele origin: germline.
Comment: In silico analysis supports that this missense variant has a deleterious effect on protein structure/function; Has not been previously published as pathogenic or benign to our knowledge

Women's Health and Genetics/Laboratory Corporation of America, LabCorp
Classification: Uncertain significance. Last evaluated: 2025-07-03. Review status: criteria provided, single submitter. Criteria: LabCorp Variant Classification Summary - May 2015. Collection method: clinical testing. Allele origin: germline.
Comment: Variant summary: SCN10A c.688C>G (p.Pro230Ala) results in a non-conservative amino acid change in the encoded protein sequence. Algorithms developed to predict the effect of missense changes on protein structure and function all suggest that this variant is likely to be disruptive. The variant allele was found at a frequency of 5.6e-05 in 251334 control chromosomes. This frequency is not significantly higher than estimated for a pathogenic variant in SCN10A causing Episodic pain syndrome, familial, 2, allowing no conclusion about variant significance. To our knowledge, no occurrence of c.688C>G in individuals affected with Episodic pain syndrome, familial, 2 and no experimental evidence demonstrating its impact on protein function have been reported. ClinVar contains an entry for this variant (Variation ID: 463271). Based on the evidence outlined above, the variant was classified as uncertain significance.

Labcorp Genetics (formerly Invitae), Labcorp
Classification: Uncertain significance for Brugada syndrome. Last evaluated: 2025-06-27. Review status: criteria provided, single submitter. Criteria: Invitae Variant Classification Sherloc (09022015). Collection method: clinical testing. Allele origin: germline.
Comment: This sequence change replaces proline, which is neutral and non-polar, with alanine, which is neutral and non-polar, at codon 230 of the SCN10A protein (p.Pro230Ala). This variant is present in population databases (rs147844607, gnomAD 0.008%). This variant has not been reported in the literature in individuals affected with SCN10A-related conditions. ClinVar contains an entry for this variant (Variation ID: 463271). Invitae Evidence Modeling of protein sequence and biophysical properties (such as structural, functional, and spatial information, amino acid conservation, physicochemical variation, residue mobility, and thermodynamic stability) indicates that this missense variant is not expected to disrupt SCN10A protein function with a negative predictive value of 80%. In summary, the available evidence is currently insufficient to determine the role of this variant in disease. Therefore, it has been classified as a Variant of Uncertain Significance.

Ambry Genetics
Classification: Uncertain significance for Cardiovascular phenotype. Last evaluated: 2024-06-17. Review status: criteria provided, single submitter. Criteria: Ambry Variant Classification Scheme 2023. Collection method: clinical testing. Allele origin: germline.
Comment: The p.P230A variant (also known as c.688C>G), located in coding exon 5 of the SCN10A gene, results from a C to G substitution at nucleotide position 688. The proline at codon 230 is replaced by alanine, an amino acid with highly similar properties. This amino acid position is highly conserved in available vertebrate species. In addition, the in silico prediction for this alteration is inconclusive. The evidence for this gene-disease relationship is limited; therefore, the clinical significance of this alteration is unclear.

PreventionGenetics, part of Exact Sciences
Classification: Uncertain significance for SCN10A-related condition. Last evaluated: 2024-01-11. Review status: no assertion criteria provided. Collection method: clinical testing. Allele origin: germline. Not counted in ClinVar's aggregate classification.
Comment: The SCN10A c.688C>G variant is predicted to result in the amino acid substitution p.Pro230Ala. To our knowledge, this variant has not been reported in the literature. This variant is reported in 0.0085% of alleles in individuals of Latino descent in gnomAD. At this time, the clinical significance of this variant is uncertain due to the absence of conclusive functional and genetic evidence.

NM_006514.4(SCN10A):c.688C>G (p.Pro230Ala)

Gene: SCN10A (sodium voltage-gated channel alpha subunit 10; minus strand). Cytogenetic location: 3p22.2.
Variant type: single nucleotide variant.
Coding change: c.688C>G on transcript NM_006514.4 (MANE Select); coding-DNA position 688, C replaced by G.
Protein change: p.Pro230Ala; replaces proline 230 with alanine.
Molecular consequence: missense variant.
Genome position (GRCh38, 1-based): chr3:38,763,508, G>C on the plus strand (C>G on the coding strand, the complement: SCN10A is on the minus strand). VCF-style: chr3-38763508-G-C. GRCh37 (hg19) VCF-style: chr3-38804999-G-C.
Other names: c.688C>G, p.Pro230Ala (NM_001293306.2, NM_001293307.2); short protein forms P230A.
Identifiers: ClinVar variation 463271 (VCV000463271.15), dbSNP rs147844607, ClinGen allele CA2321117.